The following is an entry in ClinVar:

NM_000065.5(C6):c.2086G>A (p.Asp696Asn)

Gene: C6 (complement C6; minus strand). Cytogenetic location: 5p13.1.
Variant type: single nucleotide variant.
Coding change: c.2086G>A on transcript NM_000065.5 (MANE Select); coding-DNA position 2086, G replaced by A.
Protein change: p.Asp696Asn; replaces aspartic acid 696 with asparagine.
Molecular consequence: missense variant.
Genome position (GRCh38, 1-based): chr5:41,154,987, C>T on the plus strand (G>A on the coding strand, the complement: C6 is on the minus strand). VCF-style: chr5-41154987-C-T. GRCh37 (hg19) VCF-style: chr5-41155089-C-T.
Other names: c.2086G>A (NM_000065.2); c.2086G>A, p.Asp696Asn (NM_001115131.4); short protein forms D696N.
Identifiers: ClinVar variation 718516 (VCV000718516.14), dbSNP rs78888823, ClinGen allele CA3252223.

ClinVar aggregate classification (germline): Conflicting classifications of pathogenicity. Review status: criteria provided, conflicting classifications (1 of 4 stars). 5 submissions from 5 submitters: Uncertain significance (1); Benign (2); Likely benign (1). 1 of the submissions does not count toward it. Last evaluated 2026-01-28.

Conditions:
C6-related disorder. Also called: C6-related condition.
Inborn genetic diseases. Identifiers: MedGen C0950123, MeSH D030342.

Allele frequency attached by ClinVar (database versions not stated): gnomAD exomes 0.00026 and 0.00077; ExAC 0.00103; ESP Exome Variant Server 0.00300; gnomAD 0.00313 and 0.00337; TOPMed 0.00320; 1000 Genomes Project 30x 0.00390; 1000 Genomes Project 0.00399.
gnomAD v4.1: 883 of 1,613,788 alleles (0.055%); highest among the groups gnomAD compares: African/African-American, 1%; 5 homozygotes.

Submissions (5):

Labcorp Genetics (formerly Invitae), Labcorp
Classification: Benign. Last evaluated: 2026-01-28. Review status: criteria provided, single submitter. Criteria: Invitae Variant Classification Sherloc (09022015). Collection method: clinical testing. Allele origin: germline.

Ambry Genetics
Classification: Uncertain significance for Inborn genetic diseases. Last evaluated: 2025-12-15. Review status: criteria provided, single submitter. Criteria: Ambry Variant Classification Scheme 2023. Collection method: clinical testing. Allele origin: germline.

Blueprint Genetics
Classification: Likely benign. Last evaluated: 2024-09-23. Review status: criteria provided, single submitter. Criteria: ACMG Guidelines, 2015. Collection method: clinical testing. Allele origin: germline.

Breakthrough Genomics
Classification: Benign. Review status: criteria provided, single submitter. Criteria: ACMG Guidelines, 2015. Collection method: not provided. Allele origin: germline. Inheritance: Autosomal recessive inheritance. Affected: yes.

PreventionGenetics, part of Exact Sciences
Classification: Likely benign for C6-related condition. Last evaluated: 2019-04-02. Review status: no assertion criteria provided. Collection method: clinical testing. Allele origin: germline. Not counted in ClinVar's aggregate classification.
Comment: This variant is classified as likely benign based on ACMG/AMP sequence variant interpretation guidelines (Richards et al. 2015 PMID: 25741868, with internal and published modifications).